The following is an entry in ClinVar:

ClinVar aggregate classification (germline): Uncertain significance. Review status: criteria provided, multiple submitters, no conflicts (2 of 4 stars). 3 submissions from 3 submitters: Uncertain significance (3). Last evaluated 2026-03-26.

Conditions:
HK1-related disorder. Also called: HK1-related disorders; HK1-related condition.

Allele frequency attached by ClinVar (database versions not stated): gnomAD 0.00001; gnomAD exomes 0.00001; TOPMed 0.00002.
gnomAD v4.1: 13 of 1,614,072 alleles (0.00081%); highest among the groups gnomAD compares: Admixed American, 0.0067%; no homozygotes.

Submissions (3):

PreventionGenetics, part of Exact Sciences
Classification: Uncertain significance for HK1-related condition. Last evaluated: 2026-03-26. Review status: criteria provided, single submitter. Criteria: ACMG Guidelines, 2015. Collection method: clinical testing. Allele origin: germline.
Comment: The HK1 c.2146G>A variant is predicted to result in the amino acid substitution p.Gly716Arg. To our knowledge, this variant has not been reported in the literature. This variant is reported in 0.0058% of alleles in individuals of Latino descent in gnomAD. At this time, the clinical significance of this variant is uncertain due to the absence of conclusive functional and genetic evidence.

Labcorp Genetics (formerly Invitae), Labcorp
Classification: Uncertain significance. Last evaluated: 2025-07-30. Review status: criteria provided, single submitter. Criteria: Invitae Variant Classification Sherloc (09022015). Collection method: clinical testing. Allele origin: germline.
Comment: This sequence change replaces glycine, which is neutral and non-polar, with arginine, which is basic and polar, at codon 716 of the HK1 protein (p.Gly716Arg). This variant is present in population databases (no rsID available, gnomAD 0.006%). This variant has not been reported in the literature in individuals affected with HK1-related conditions. ClinVar contains an entry for this variant (Variation ID: 1372224). Invitae Evidence Modeling of protein sequence and biophysical properties (such as structural, functional, and spatial information, amino acid conservation, physicochemical variation, residue mobility, and thermodynamic stability) has been performed for this missense variant. However, the output from this modeling did not meet the statistical confidence thresholds required to predict the impact of this variant on HK1 protein function. In summary, the available evidence is currently insufficient to determine the role of this variant in disease. Therefore, it has been classified as a Variant of Uncertain Significance.

Revvity Omics, Revvity
Classification: Uncertain significance. Last evaluated: 2022-08-18. Review status: criteria provided, single submitter. Criteria: ACMG Guidelines, 2015. Collection method: clinical testing. Allele origin: germline.

NM_000188.3(HK1):c.2146G>A (p.Gly716Arg)

Gene: HK1 (hexokinase 1; plus strand). Cytogenetic location: 10q22.1.
Variant type: single nucleotide variant.
Coding change: c.2146G>A on transcript NM_000188.3 (MANE Select); coding-DNA position 2146, G replaced by A.
Protein change: p.Gly716Arg; replaces glycine 716 with arginine.
Molecular consequence: missense variant.
Genome position (GRCh38, 1-based): chr10:69,392,235, G>A. VCF-style: chr10-69392235-G-A. GRCh37 (hg19) VCF-style: chr10-71151991-G-A.
Other names: c.2146G>A (NM_000188.2); c.2158G>A, p.Gly720Arg (NM_001322364.2, NM_001358263.1, NM_033497.3 and 1 more transcripts); c.2251G>A, p.Gly751Arg (NM_001322365.2); c.2062G>A, p.Gly688Arg (NM_001322366.1); c.2050G>A, p.Gly684Arg (NM_001322367.1); c.2143G>A, p.Gly715Arg (NM_033496.3); c.2110G>A, p.Gly704Arg (NM_033500.2); short protein forms G716R, G704R, G684R, G715R, G720R, G688R, G751R.
Identifiers: ClinVar variation 1372224 (VCV001372224.9), dbSNP rs895581035, ClinGen allele CA376914780.